The following is an entry in ClinVar:

ClinVar aggregate classification (germline): Benign/Likely benign. Review status: criteria provided, multiple submitters, no conflicts (2 of 4 stars). 9 submissions from 9 submitters: Benign (2); Likely benign (6). 1 of the submissions does not count toward it. Last evaluated 2026-01-19.

Conditions:
DYSF-related disorder. Also called: DYSF-related condition; DYSF-related disorders.
Neuromuscular disease caused by qualitative or quantitative defects of dysferlin. Also called: Dysferlinopathy; Qualitative or quantitative defects of dysferlin. Identifiers: Orphanet 207073, MedGen C2931687, MONDO:0016145.

Allele frequency attached by ClinVar (database versions not stated): gnomAD exomes 0.00016 and 0.00044; ExAC 0.00047; gnomAD 0.00152 and 0.00168; TOPMed 0.00180; 1000 Genomes Project 30x 0.00187; ESP Exome Variant Server 0.00192; 1000 Genomes Project 0.00220.
gnomAD v4.1: 484 of 1,614,212 alleles (0.03%); highest among the groups gnomAD compares: African/African-American, 0.57%; 2 homozygotes.

Submissions (9):

Labcorp Genetics (formerly Invitae), Labcorp
Classification: Benign for Neuromuscular disease caused by qualitative or quantitative defects of dysferlin. Last evaluated: 2026-01-19. Review status: criteria provided, single submitter. Criteria: Invitae Variant Classification Sherloc (09022015). Collection method: clinical testing. Allele origin: germline.

Women's Health and Genetics/Laboratory Corporation of America, LabCorp
Classification: Likely benign. Last evaluated: 2025-07-21. Review status: criteria provided, single submitter. Criteria: LabCorp Variant Classification Summary - May 2015. Collection method: clinical testing. Allele origin: germline.

Blueprint Genetics
Classification: Likely benign. Last evaluated: 2024-11-13. Review status: criteria provided, single submitter. Criteria: ACMG Guidelines, 2015. Collection method: clinical testing. Allele origin: germline.

CeGaT Center for Human Genetics Tuebingen
Classification: Likely benign. Last evaluated: 2023-03-01. Review status: criteria provided, single submitter. Criteria: CeGaT Center For Human Genetics Tuebingen Variant Classification Criteria Version 2. Collection method: clinical testing. Allele origin: germline. Affected: yes. Observed: 1 variant allele.
Comment: DYSF: BP4, BP7

GeneDx
Classification: Likely benign. Last evaluated: 2019-03-19. Review status: criteria provided, single submitter. Criteria: GeneDx Variant Classification Process June 2021. Collection method: clinical testing. Allele origin: germline. Affected: yes.

Athena Diagnostics
Classification: Benign. Last evaluated: 2017-12-11. Review status: criteria provided, single submitter. Criteria: Athena Diagnostics Criteria. Collection method: clinical testing. Allele origin: germline.

Eurofins Ntd Llc (ga)
Classification: Likely benign. Last evaluated: 2017-04-05. Review status: criteria provided, single submitter. Criteria: EGL Classification Definitions 2015. Collection method: clinical testing. Allele origin: germline. Observed: 2 variant alleles, 2 heterozygotes.

Breakthrough Genomics
Classification: Likely benign. Review status: criteria provided, single submitter. Criteria: ACMG Guidelines, 2015. Collection method: not provided. Allele origin: germline. Inheritance: Autosomal recessive inheritance. Affected: yes.

PreventionGenetics, part of Exact Sciences
Classification: Likely benign for DYSF-related condition. Last evaluated: 2019-11-15. Review status: no assertion criteria provided. Collection method: clinical testing. Allele origin: germline. Not counted in ClinVar's aggregate classification.
Comment: This variant is classified as likely benign based on ACMG/AMP sequence variant interpretation guidelines (Richards et al. 2015 PMID: 25741868, with internal and published modifications).

NM_001130987.2(DYSF):c.5058C>A (p.Leu1686=)

Gene: DYSF (dysferlin; plus strand). Cytogenetic location: 2p13.2.
Variant type: single nucleotide variant.
Coding change: c.5058C>A on transcript NM_001130987.2 (MANE Select); coding-DNA position 5058, C replaced by A.
Protein change: p.Leu1686=; no amino-acid change (leucine 1686 retained).
Molecular consequence: synonymous variant.
Genome position (GRCh38, 1-based): chr2:71,664,322, C>A. VCF-style: chr2-71664322-C-A. GRCh37 (hg19) VCF-style: chr2-71891452-C-A.
Other names: c.4944C>A, p.Leu1648= (NM_001130455.2); c.4899C>A, p.Leu1633= (NM_001130976.2); c.4962C>A, p.Leu1654= (NM_001130977.2); c.5004C>A, p.Leu1668= (NM_001130978.2); c.5034C>A, p.Leu1678= (NM_001130979.2); c.4992C>A, p.Leu1664= (NM_001130980.2); c.5055C>A, p.Leu1685= (NM_001130981.2); c.5037C>A, p.Leu1679= (NM_001130982.2); and 5 more.
Identifiers: ClinVar variation 285983 (VCV000285983.47), dbSNP rs141476432, ClinGen allele CA1707232.
Genomic context (GRCh38, chr2:71,664,322, plus strand): 5'-CTGCAGGATGTTCGAGCTGACCTGCACTCTGCCTCTGGAGAAGGACCTAAAGATCACTCT[C>A]TATGACTATGACCTCCTCTCCAAGGACGAAAAGATCGGTGAGACGGTCGTCGACCTGGAG-3'
Protein context (NP_001124459.1, residues 1676-1696): LPLEKDLKIT[Leu1686=]YDYDLLSKDE